The following is an entry in ClinVar:

NM_139279.6(MCFD2):c.*1724C>T

Genes: MCFD2 (multiple coagulation factor deficiency 2, ER cargo receptor complex subunit; minus strand), MCFD2-AS1 (MCFD2 antisense RNA 1; plus strand). Cytogenetic location: 2p21.
Variant type: single nucleotide variant.
Coding change: c.*1724C>T on transcript NM_139279.6 (MANE Select); 1724 bases downstream of the stop codon, C replaced by T.
Molecular consequence: 3 prime UTR variant.
Genome position (GRCh38, 1-based): chr2:46,903,739, G>A on the plus strand (C>T on the coding strand, the complement: MCFD2 is on the minus strand). VCF-style: chr2-46903739-G-A. GRCh37 (hg19) VCF-style: chr2-47130878-G-A.
Other names: c.*1724C>T (NM_001171506.2, NM_001171507.2, NM_001171508.2 and 3 more transcripts).
Identifiers: ClinVar variation 336352 (VCV000336352.5), dbSNP rs115137793, ClinGen allele CA10615672.

ClinVar aggregate classification (germline): Benign (1 of 4 stars; one submission).

Conditions:
Factor 5 and Factor VIII, combined deficiency of, 2. Identifiers: Orphanet 35909, MedGen C3150889, MONDO:0013331, OMIM 613625.

Allele frequency attached by ClinVar (database versions not stated): gnomAD 0.01078 and 0.01001; TOPMed 0.01077; 1000 Genomes Project 30x 0.01156; 1000 Genomes Project 0.01178.

Submission:

Illumina Laboratory Services, Illumina
Classification: Benign for Factor 5 and Factor VIII, combined deficiency of, 2. Last evaluated: 2018-01-13. Review status: criteria provided, single submitter. Criteria: ICSL Variant Classification Criteria 13 December 2019. Collection method: clinical testing. Allele origin: germline.
Comment: This variant was observed in the ICSL laboratory as part of a predisposition screen in an ostensibly healthy population. It had not been previously curated by ICSL or reported in the Human Gene Mutation Database (HGMD: prior to June 1st, 2018), and was therefore a candidate for classification through an automated scoring system. Utilizing variant allele frequency, disease prevalence and penetrance estimates, and inheritance mode, an automated score was calculated to assess if this variant is too frequent to cause the disease. Based on the score and internal cut-off values, a variant classified as benign is not then subjected to further curation. The score for this variant resulted in a classification of benign for this disease.